The following is an entry in ClinVar:

ClinVar aggregate classification (germline): Uncertain significance (1 of 4 stars; one submission).

Conditions:
ALG8 congenital disorder of glycosylation. Also called: CONGENITAL DISORDER OF GLYCOSYLATION, TYPE Ih; ALG8-CDG; CDG Ih. Identifiers: Orphanet 79325, MedGen C2931002, MONDO:0011969, OMIM 608104.

Allele frequency attached by ClinVar (database versions not stated): ExAC 0.00001; gnomAD exomes 0.00001; TOPMed 0.00003.
gnomAD v4.1: 5 of 1,614,194 alleles (0.00031%); highest among the groups gnomAD compares: Admixed American, 0.0067%; no homozygotes.

Submission:

Labcorp Genetics (formerly Invitae), Labcorp
Classification: Uncertain significance for ALG8 congenital disorder of glycosylation. Last evaluated: 2025-06-12. Review status: criteria provided, single submitter. Criteria: Invitae Variant Classification Sherloc (09022015). Collection method: clinical testing. Allele origin: germline.
Comment: This sequence change replaces isoleucine, which is neutral and non-polar, with threonine, which is neutral and polar, at codon 77 of the ALG8 protein (p.Ile77Thr). This variant is present in population databases (rs767165970, gnomAD 0.009%). This variant has not been reported in the literature in individuals affected with ALG8-related conditions. ClinVar contains an entry for this variant (Variation ID: 1976227). Invitae Evidence Modeling of protein sequence and biophysical properties (such as structural, functional, and spatial information, amino acid conservation, physicochemical variation, residue mobility, and thermodynamic stability) indicates that this missense variant is not expected to disrupt ALG8 protein function with a negative predictive value of 80%. In summary, the available evidence is currently insufficient to determine the role of this variant in disease. Therefore, it has been classified as a Variant of Uncertain Significance.

NM_024079.5(ALG8):c.230T>C (p.Ile77Thr)

Gene: ALG8 (ALG8 alpha-1,3-glucosyltransferase; minus strand). Cytogenetic location: 11q14.1.
Variant type: single nucleotide variant.
Coding change: c.230T>C on transcript NM_024079.5 (MANE Select); coding-DNA position 230, T replaced by C.
Protein change: p.Ile77Thr; replaces isoleucine 77 with threonine.
Molecular consequence: missense variant.
Genome position (GRCh38, 1-based): chr11:78,124,159, A>G on the plus strand (T>C on the coding strand, the complement: ALG8 is on the minus strand). VCF-style: chr11-78124159-A-G. GRCh37 (hg19) VCF-style: chr11-77835205-A-G.
Other names: c.230T>C, p.Ile77Thr (NM_001007027.3); short protein forms I77T.
Identifiers: ClinVar variation 1976227 (VCV001976227.5), dbSNP rs767165970, ClinGen allele CA6203547.